The following is an entry in ClinVar:

NM_020738.4(KIDINS220):c.208-10T>C

Gene: KIDINS220 (kinase D interacting substrate 220; minus strand). Cytogenetic location: 2p25.1.
Variant type: single nucleotide variant.
Coding change: c.208-10T>C on transcript NM_020738.4 (MANE Select); 10 bases into the intron before coding-DNA position 208, T replaced by C.
Molecular consequence: intron variant.
Genome position (GRCh38, 1-based): chr2:8,817,726, A>G on the plus strand (T>C on the coding strand, the complement: KIDINS220 is on the minus strand). VCF-style: chr2-8817726-A-G. GRCh37 (hg19) VCF-style: chr2-8957856-A-G.
Other names: c.208-10T>C (NM_001348734.2, NM_001348731.2, NM_001348729.2 and 9 more transcripts); c.82-10T>C (NM_001348736.2).
Identifiers: ClinVar variation 4977627 (VCV004977627.1).
Genomic context (GRCh38, chr2:8,817,726, plus strand): 5'-GATGTGCACATGCCCTTCTTTCGATGCAGATATAAGTGCTGTCCAATTATCCTTGAACAT[A>G]TATTTTAAAAGTTATCATTTTCAAACCAAAAATAACACGTCAAAGTAAGGAAAACTACAT-3'

ClinVar aggregate classification (germline): Likely benign (1 of 4 stars; one submission).

Conditions:
KIDINS220-related disorder. Also called: KIDINS220-related condition.

gnomAD v4.1: 10 of 1,564,082 alleles (0.00064%); highest among the groups gnomAD compares: Admixed American, 0.011%; no homozygotes.

Submission:

PreventionGenetics, part of Exact Sciences
Classification: Likely benign for KIDINS220-related condition. Last evaluated: 2025-03-13. Review status: criteria provided, single submitter. Criteria: ACMG Guidelines, 2015. Collection method: clinical testing. Allele origin: germline.
Comment: This variant is classified as likely benign based on ACMG/AMP sequence variant interpretation guidelines (Richards et al. 2015 PMID: 25741868, with internal and published modifications).